The following is an entry in ClinVar:

NM_000264.5(PTCH1):c.202-5C>T

Genes: PTCH1 (patched 1; minus strand), LOC130002132 (ATAC-STARR-seq lymphoblastoid silent region 20069; plus strand). Cytogenetic location: 9q22.32.
Variant type: single nucleotide variant.
Coding change: c.202-5C>T on transcript NM_000264.5 (MANE Select); 5 bases into the intron before coding-DNA position 202, C replaced by T.
Molecular consequence: intron variant.
Genome position (GRCh38, 1-based): chr9:95,506,604, G>A on the plus strand (C>T on the coding strand, the complement: PTCH1 is on the minus strand). VCF-style: chr9-95506604-G-A. GRCh37 (hg19) VCF-style: chr9-98268886-G-A.
Other names: c.199-5C>T (NM_001083603.3); c.4-5C>T (NM_001083602.3, NM_001354919.2); c.202-5C>T (NM_001354918.2); c.-252-5C>T (NM_001083605.3, NM_001083604.3, NM_001083606.3 and 1 more transcripts).
Identifiers: ClinVar variation 2449640 (VCV002449640.5), dbSNP rs1316956248, ClinGen allele CA466103727.

ClinVar aggregate classification (germline): Conflicting classifications of pathogenicity. Review status: criteria provided, conflicting classifications (1 of 4 stars). 2 submissions from 2 submitters: Uncertain significance (1); Likely benign (1). Last evaluated 2025-07-06.

Conditions:
Gorlin syndrome. Also called: Nevoid Basal Cell Carcinoma Syndrome; Basal cell nevus syndrome. Identifiers: Orphanet 377, MedGen C0004779, MONDO:0007187.
Hereditary cancer-predisposing syndrome. Also called: Hereditary neoplastic syndrome; Tumor predisposition; Neoplastic Syndromes, Hereditary; Hereditary Cancer Syndrome. Identifiers: Orphanet 140162, MedGen C0027672, MeSH D009386, MONDO:0015356.

Allele frequency attached by ClinVar (database versions not stated): gnomAD exomes below 0.00001.
gnomAD v4.1: 1 of 1,610,286 alleles (0.000062%); highest among the groups gnomAD compares: Non-Finnish European, 0.000085%; no homozygotes.

Submissions (2):

Labcorp Genetics (formerly Invitae), Labcorp
Classification: Likely benign for Gorlin syndrome. Last evaluated: 2025-07-06. Review status: criteria provided, single submitter. Criteria: Invitae Variant Classification Sherloc (09022015). Collection method: clinical testing. Allele origin: germline.

Ambry Genetics
Classification: Uncertain significance for Hereditary cancer-predisposing syndrome. Last evaluated: 2022-12-28. Review status: criteria provided, single submitter. Criteria: Ambry Variant Classification Scheme 2023. Collection method: clinical testing. Allele origin: germline.
Comment: The c.202-5C>T intronic variant results from a C to T substitution 5 nucleotides upstream from coding exon 2 in the PTCH1 gene. This nucleotide position is not well conserved in available vertebrate species. In silico splice site analysis predicts that this alteration will not have any significant effect on splicing. Since supporting evidence is limited at this time, the clinical significance of this alteration remains unclear.